The following is an entry in ClinVar:

ClinVar aggregate classification (germline): Uncertain significance (1 of 4 stars; one submission).

Conditions:
Joubert syndrome. Also called: CEREBELLOPARENCHYMAL DISORDER IV; JOUBERT-BOLTSHAUSER SYNDROME; Familial aplasia of the vermis. Identifiers: Orphanet 475, MedGen C5979921, MONDO:0018772.
Nephronophthisis. Also called: Juvenile Nephronophthisis. Identifiers: Orphanet 655, MedGen C0687120, MONDO:0019005, HP:0000090.
Meckel-Gruber syndrome. Also called: DYSENCEPHALIA SPLANCHNOCYSTICA; GRUBER SYNDROME; Dysencephalia splachnocystica. Identifiers: Orphanet 564, MedGen C0265215, MONDO:0018921.

Submission:

Labcorp Genetics (formerly Invitae), Labcorp
Classification: Uncertain significance for Joubert syndrome; Meckel-Gruber syndrome; Nephronophthisis. Last evaluated: 2022-07-18. Review status: criteria provided, single submitter. Criteria: Invitae Variant Classification Sherloc (09022015). Collection method: clinical testing. Allele origin: germline.
Comment: In summary, the available evidence is currently insufficient to determine the role of this variant in disease. Therefore, it has been classified as a Variant of Uncertain Significance. Algorithms developed to predict the effect of missense changes on protein structure and function are either unavailable or do not agree on the potential impact of this missense change (SIFT: "Tolerated"; PolyPhen-2: "Probably Damaging"; Align-GVGD: "Class C0"). ClinVar contains an entry for this variant (Variation ID: 1441605). This variant has not been reported in the literature in individuals affected with CEP290-related conditions. This variant is not present in population databases (gnomAD no frequency). This sequence change replaces asparagine, which is neutral and polar, with aspartic acid, which is acidic and polar, at codon 1715 of the CEP290 protein (p.Asn1715Asp).

NM_025114.4(CEP290):c.5143A>G (p.Asn1715Asp)

Gene: CEP290 (centrosomal protein 290; minus strand). Cytogenetic location: 12q21.32.
Variant type: single nucleotide variant.
Coding change: c.5143A>G on transcript NM_025114.4 (MANE Select); coding-DNA position 5143, A replaced by G.
Protein change: p.Asn1715Asp; replaces asparagine 1715 with aspartic acid.
Molecular consequence: missense variant.
Genome position (GRCh38, 1-based): chr12:88,080,265, T>C on the plus strand (A>G on the coding strand, the complement: CEP290 is on the minus strand). VCF-style: chr12-88080265-T-C. GRCh37 (hg19) VCF-style: chr12-88474042-T-C.
Other names: short protein forms N1715D.
Identifiers: ClinVar variation 1441605 (VCV001441605.6), dbSNP rs1565827241, ClinGen allele CA385991155.